The following is an entry in ClinVar:

NM_203446.3(SYNJ1):c.*728C>T

Gene: SYNJ1 (synaptojanin 1; minus strand). Cytogenetic location: 21q22.11.
Variant type: single nucleotide variant.
Coding change: c.*728C>T on transcript NM_203446.3 (MANE Select); 728 bases downstream of the stop codon, C replaced by T.
Molecular consequence: 3 prime UTR variant. On other transcripts: missense variant (2).
Genome position (GRCh38, 1-based): chr21:32,631,077, G>A on the plus strand (C>T on the coding strand, the complement: SYNJ1 is on the minus strand). VCF-style: chr21-32631077-G-A. GRCh37 (hg19) VCF-style: chr21-34003387-G-A.
Other names: c.*728C>T (NM_001160302.2); c.4499C>T, p.Pro1500Leu (NM_001160306.2); c.4757C>T, p.Pro1586Leu (NM_003895.4); short protein forms P1586L, P1500L.
Identifiers: ClinVar variation 478361 (VCV000478361.42), dbSNP rs2230767, ClinGen allele CA10003055.

ClinVar aggregate classification (germline): Likely benign. Review status: criteria provided, multiple submitters, no conflicts (2 of 4 stars). 7 submissions from 7 submitters: Likely benign (6). 1 of the submissions does not count toward it. Last evaluated 2026-07-01.

Conditions:
SYNJ1-related disorder. Also called: SYNJ1-related condition.
Inborn genetic diseases. Identifiers: MedGen C0950123, MeSH D030342.
Developmental and epileptic encephalopathy, 53. Also called: Epileptic encephalopathy, early infantile, 53. Identifiers: MedGen C4479313, MONDO:0033362, OMIM 617389.
Early-onset Parkinson disease 20. Also called: PARKINSON DISEASE 20, AUTOSOMAL RECESSIVE EARLY-ONSET. Identifiers: Orphanet 391411, MedGen C3809824, MONDO:0014233, OMIM 615530.

Allele frequency attached by ClinVar (database versions not stated): gnomAD exomes 0.00035 and 0.00082; ExAC 0.00082; ESP Exome Variant Server 0.00231; 1000 Genomes Project 30x 0.00265; gnomAD 0.00273 and 0.00284; 1000 Genomes Project 0.00280; TOPMed 0.00309.
gnomAD v4.1: 984 of 1,614,216 alleles (0.061%); highest among the groups gnomAD compares: African/African-American, 0.9%; 5 homozygotes.

Submissions (7):

CeGaT Center for Human Genetics Tuebingen
Classification: Likely benign. Last evaluated: 2026-07-01. Review status: criteria provided, single submitter. Criteria: CeGaT Center For Human Genetics Tuebingen Variant Classification Criteria Version 2. Collection method: clinical testing. Allele origin: germline. Affected: yes. Observed: 6 variant alleles.
Comment: SYNJ1: BP4, BS2

Labcorp Genetics (formerly Invitae), Labcorp
Classification: Likely benign for Developmental and epileptic encephalopathy, 53; Early-onset Parkinson disease 20. Last evaluated: 2026-02-03. Review status: criteria provided, single submitter. Criteria: Invitae Variant Classification Sherloc (09022015). Collection method: clinical testing. Allele origin: germline.

Blueprint Genetics
Classification: Likely benign. Last evaluated: 2024-11-06. Review status: criteria provided, single submitter. Criteria: ACMG Guidelines, 2015. Collection method: clinical testing. Allele origin: germline.

Ambry Genetics
Classification: Likely benign for Inborn genetic diseases. Last evaluated: 2022-01-31. Review status: criteria provided, single submitter. Criteria: Ambry Variant Classification Scheme 2023. Collection method: clinical testing. Allele origin: germline.

GeneDx
Classification: Likely benign. Last evaluated: 2021-01-18. Review status: criteria provided, single submitter. Criteria: GeneDx Variant Classification Process June 2021. Collection method: clinical testing. Allele origin: germline. Affected: yes.
Comment: This variant is associated with the following publications: (PMID: 32557143)

Athena Diagnostics
Classification: Likely benign. Last evaluated: 2018-04-24. Review status: criteria provided, single submitter. Criteria: Athena Diagnostics Criteria. Collection method: clinical testing. Allele origin: germline.

PreventionGenetics, part of Exact Sciences
Classification: Likely benign for SYNJ1-related condition. Last evaluated: 2020-01-22. Review status: no assertion criteria provided. Collection method: clinical testing. Allele origin: germline. Not counted in ClinVar's aggregate classification.
Comment: This variant is classified as likely benign based on ACMG/AMP sequence variant interpretation guidelines (Richards et al. 2015 PMID: 25741868, with internal and published modifications).